The following is an entry in ClinVar:

ClinVar aggregate classification (germline): Pathogenic (1 of 4 stars; one submission).

Submission:

Labcorp Genetics (formerly Invitae), Labcorp
Classification: Pathogenic. Last evaluated: 2020-06-27. Review status: criteria provided, single submitter. Criteria: Invitae Variant Classification Sherloc (09022015). Collection method: clinical testing. Allele origin: germline.
Comment: This sequence change creates a premature translational stop signal (p.Thr87Tyrfs*3) in the RP2 gene. It is expected to result in an absent or disrupted protein product. For these reasons, this variant has been classified as Pathogenic. Loss-of-function variants in RP2 are known to be pathogenic (PMID: 11992260, 20625056). This variant has not been reported in the literature in individuals with RP2-related conditions. This variant is not present in population databases (ExAC no frequency).

Literature cited by the submitters: PubMed 11992260; PubMed 20625056.

NM_006915.3(RP2):c.243_258dup (p.Thr87delinsTyrHisTer)

Gene: RP2 (RP2 activator of ARL3 GTPase; plus strand). Cytogenetic location: Xp11.3.
Variant type: Duplication.
Coding change: c.243_258dup on transcript NM_006915.3 (MANE Select); coding-DNA positions 243 to 258, 16 bases duplicated (TACCATTGATGACTGT).
Protein change: p.Thr87delinsTyrHisTer.
Molecular consequence: nonsense.
Genome position (GRCh38, 1-based): chrX:46,853,616-46,853,631, TACCATTGATGACTGT duplicated; duplicating any 16 consecutive bases within chrX:46,853,614-46,853,631 gives the same sequence; the c. name uses the placement nearest the transcript's 3' end. VCF-style (leftmost placement, unchanged base first): chrX-46853613-A-AGTTACCATTGATGACT. GRCh37 (hg19) VCF-style: chrX-46713048-A-AGTTACCATTGATGACT.
Identifiers: ClinVar variation 1074380 (VCV001074380.7), dbSNP rs2147081221, ClinGen allele CA2499226727.
Genomic context (GRCh38, chrX:46,853,613, plus strand): 5'-ACAGTTTCTCATTCAAGACTGTGAGAACTGTAACATCTATATTTTTGATCACTCTGCTAC[A>AGTTACCATTGATGACT]GTTACCATTGATGACTGTACTAACTGCATAATTTTTCTGGGACCCGTGAAAGGCAGCGTG-3'